The following is an entry in ClinVar:

NM_001854.4(COL11A1):c.1045G>T (p.Asp349Tyr)

Gene: COL11A1 (collagen type XI alpha 1 chain; minus strand). Cytogenetic location: 1p21.1.
Variant type: single nucleotide variant.
Coding change: c.1045G>T on transcript NM_001854.4 (MANE Select); coding-DNA position 1045, G replaced by T.
Protein change: p.Asp349Tyr; replaces aspartic acid 349 with tyrosine.
Molecular consequence: missense variant. On other transcripts: non-coding transcript variant (1), intron variant (1).
Genome position (GRCh38, 1-based): chr1:103,022,942, C>A on the plus strand (G>T on the coding strand, the complement: COL11A1 is on the minus strand). VCF-style: chr1-103022942-C-A. GRCh37 (hg19) VCF-style: chr1-103488498-C-A.
Other names: c.928G>T, p.Asp310Tyr (NM_001190709.2); c.1081G>T, p.Asp361Tyr (NM_080629.3); c.898-1173G>T (NM_080630.4); short protein forms D310Y, D349Y, D361Y.
Identifiers: ClinVar variation 1716088 (VCV001716088.5), dbSNP rs1667220101, ClinGen allele CA341154973.
Genomic context (GRCh38, chr1:103,022,942, plus strand): 5'-CCCTGCCGTCTATTTCTTTGTTTTCATATAGTGTATCCTCAGAATTTTTCCTCTGGGAAT[C>A]ATAATCCTCTCCCGTTAGATATTCTTCAGTAAATATTTCTTCAACTGGATTTGGCTATTA-3'
Protein context (NP_001845.3, residues 339-359): TEEYLTGEDY[Asp349Tyr]SQRKNSEDTL

ClinVar aggregate classification (germline): Uncertain significance (1 of 4 stars; one submission).

Submission:

Labcorp Genetics (formerly Invitae), Labcorp
Classification: Uncertain significance. Last evaluated: 2022-07-14. Review status: criteria provided, single submitter. Criteria: Invitae Variant Classification Sherloc (09022015). Collection method: clinical testing. Allele origin: germline.
Comment: In summary, the available evidence is currently insufficient to determine the role of this variant in disease. Therefore, it has been classified as a Variant of Uncertain Significance. Advanced modeling of protein sequence and biophysical properties (such as structural, functional, and spatial information, amino acid conservation, physicochemical variation, residue mobility, and thermodynamic stability) performed at Invitae indicates that this missense variant is not expected to disrupt COL11A1 protein function. This sequence change replaces aspartic acid, which is acidic and polar, with tyrosine, which is neutral and polar, at codon 349 of the COL11A1 protein (p.Asp349Tyr). This variant is not present in population databases (gnomAD no frequency). This variant has not been reported in the literature in individuals affected with COL11A1-related conditions.